The following is an entry in ClinVar:

ClinVar aggregate classification (germline): Uncertain significance. Review status: criteria provided, multiple submitters, no conflicts (2 of 4 stars). 2 submissions from 2 submitters: Uncertain significance (2). Last evaluated 2024-10-13.

Conditions:
Hereditary cancer-predisposing syndrome. Also called: Neoplastic Syndromes, Hereditary; Hereditary Cancer Syndrome; Tumor predisposition; Hereditary neoplastic syndrome. Identifiers: Orphanet 140162, MedGen C0027672, MeSH D009386, MONDO:0015356.
Ataxia-telangiectasia syndrome (AT). Also called: LOUIS-BAR SYNDROME; Cerebello-oculocutaneous telangiectasia; Immunodeficiency with ataxia telangiectasia; Ataxia-telangiectasia, complementation group D; AT, COMPLEMENTATION GROUP C; Ataxia-telangiectasia, complementation group E. Identifiers: Orphanet 100, MedGen C0004135, MONDO:0008840, OMIM 208900.

Submissions (2):

Ambry Genetics
Classification: Uncertain significance for Hereditary cancer-predisposing syndrome. Last evaluated: 2024-10-13. Review status: criteria provided, single submitter. Criteria: Ambry Variant Classification Scheme 2023. Collection method: clinical testing. Allele origin: germline.
Comment: The p.S1988R variant (also known as c.5964C>G), located in coding exon 39 of the ATM gene, results from a C to G substitution at nucleotide position 5964. The serine at codon 1988 is replaced by arginine, an amino acid with dissimilar properties. This amino acid position is conserved. In addition, this alteration is predicted to be tolerated by in silico analysis. Based on the available evidence, the clinical significance of this variant remains unclear.

Labcorp Genetics (formerly Invitae), Labcorp
Classification: Uncertain significance for Ataxia-telangiectasia syndrome. Last evaluated: 2016-12-24. Review status: criteria provided, single submitter. Criteria: Invitae Variant Classification Sherloc (09022015). Collection method: clinical testing. Allele origin: germline.
Comment: This sequence change replaces serine with arginine at codon 1988 of the ATM protein (p.Ser1988Arg). The serine residue is moderately conserved and there is a moderate physicochemical difference between serine and arginine. This variant is not present in population databases (ExAC no frequency) and has not been reported in the literature in individuals with a ATM-related disease. Algorithms developed to predict the effect of missense changes on protein structure and function (SIFT, PolyPhen-2, Align-GVGD) all suggest that this variant is likely to be tolerated, but these predictions have not been confirmed by published functional studies. In summary, this variant is a novel missense change that is not predicted to affect protein function. There is no indication that it causes disease, but the available evidence is currently insufficient to prove that conclusively. Therefore, it has been classified as a Variant of Uncertain Significance.

NM_000051.4(ATM):c.5964C>G (p.Ser1988Arg)

Genes: C11orf65 (chromosome 11 open reading frame 65; minus strand), ATM (ATM serine/threonine kinase; plus strand). Cytogenetic location: 11q22.3.
Variant type: single nucleotide variant.
Coding change: c.5964C>G on transcript NM_000051.4 (MANE Select); coding-DNA position 5964, C replaced by G.
Protein change: p.Ser1988Arg; replaces serine 1988 with arginine.
Molecular consequence: missense variant. On other transcripts: intron variant (2).
Genome position (GRCh38, 1-based): chr11:108,312,456, C>G. VCF-style: chr11-108312456-C-G. GRCh37 (hg19) VCF-style: chr11-108183183-C-G.
Other names: c.5964C>G, p.Ser1988Arg (NM_001351834.2); c.641-3385G>C (NM_001330368.2); c.*39-3385G>C (NM_001351110.2); short protein forms S1988R.
Identifiers: ClinVar variation 407551 (VCV000407551.10), dbSNP rs774260725, ClinGen allele CA16613397.